The following is an entry in ClinVar:

ClinVar aggregate classification (germline): Pathogenic/Likely pathogenic. Review status: criteria provided, multiple submitters, no conflicts (2 of 4 stars). 2 submissions from 2 submitters: Pathogenic (1); Likely pathogenic (1). Last evaluated 2023-02-13.

Conditions:
SZT2-related disorder. Also called: SZT2-related condition.

Allele frequency attached by ClinVar (database versions not stated): gnomAD exomes below 0.00001.

Submissions (2):

Labcorp Genetics (formerly Invitae), Labcorp
Classification: Pathogenic. Last evaluated: 2023-02-13. Review status: criteria provided, single submitter. Criteria: Invitae Variant Classification Sherloc (09022015). Collection method: clinical testing. Allele origin: germline.
Comment: This sequence change creates a premature translational stop signal (p.Tyr187Ilefs*2) in the SZT2 gene. It is expected to result in an absent or disrupted protein product. Loss-of-function variants in SZT2 are known to be pathogenic (PMID: 23932106, 27248490, 28556953). This variant is present in population databases (no rsID available, gnomAD 0.001%). This variant has not been reported in the literature in individuals affected with SZT2-related conditions. For these reasons, this variant has been classified as Pathogenic.

Blueprint Genetics
Classification: Likely pathogenic for SZT2-related disorders. Last evaluated: 2020-09-21. Review status: criteria provided, single submitter. Criteria: ACMG Guidelines, 2015. Collection method: clinical testing. Allele origin: germline. Affected: yes. Observed: 1 variant allele.

Literature cited by the submitters: PubMed 23932106 (cited by Labcorp Genetics (formerly Invitae), Labcorp); PubMed 27248490 (cited by Labcorp Genetics (formerly Invitae), Labcorp); PubMed 28556953 (cited by Labcorp Genetics (formerly Invitae), Labcorp).

NM_001365999.1(SZT2):c.558dup (p.Tyr187fs)

Gene: SZT2 (SZT2 subunit of KICSTOR complex; plus strand). Cytogenetic location: 1p34.2.
Variant type: Duplication.
Coding change: c.558dup on transcript NM_001365999.1 (MANE Select); coding-DNA position 558, one base duplicated (A; older notation c.558dupA).
Protein change: p.Tyr187fs; shifts the reading frame from tyrosine 187.
Molecular consequence: frameshift variant.
Genome position (GRCh38, 1-based): chr1:43,415,141, A duplicated. VCF-style (leftmost placement, unchanged base first): chr1-43415140-T-TA. GRCh37 (hg19) VCF-style: chr1-43880811-T-TA.
Other names: c.558dup, p.Tyr187fs (NM_015284.4); short protein forms Y187fs.
Identifiers: ClinVar variation 2836744 (VCV002836744.4), dbSNP rs1325815399, ClinGen allele CA522505065.